The following is an entry in ClinVar:

ClinVar aggregate classification (germline): Uncertain significance (1 of 4 stars; one submission).

Submission:

GeneDx
Classification: Uncertain significance. Last evaluated: 2022-11-29. Review status: criteria provided, single submitter. Criteria: GeneDx Variant Classification Process June 2021. Collection method: clinical testing. Allele origin: germline. Affected: yes.
Comment: Not observed at significant frequency in large population cohorts (gnomAD); In-frame insertion of 2 amino acids in a non-repeat region; Has not been previously published as pathogenic or benign to our knowledge

NM_013436.5(NCKAP1):c.3344_3349dup (p.Tyr1116_His1117insProTyr)

Gene: NCKAP1 (NCK associated protein 1; minus strand). Cytogenetic location: 2q32.1.
Variant type: Duplication.
Coding change: c.3344_3349dup on transcript NM_013436.5 (MANE Select); coding-DNA positions 3344 to 3349, 6 bases duplicated (CATACC; older notation c.3344_3349dupCATACC).
Protein change: p.Tyr1116_His1117insProTyr.
Molecular consequence: inframe insertion.
Genome position (GRCh38, 1-based): chr2:182,925,740-182,925,745, GGTATG duplicated on the plus strand (CATACC on the coding strand, the reverse complement: NCKAP1 is on the minus strand). VCF-style (leftmost placement, unchanged base first): chr2-182925739-T-TGGTATG. GRCh37 (hg19) VCF-style: chr2-183790467-T-TGGTATG.
Other names: c.3362_3367dup, p.Tyr1122_His1123insProTyr (NM_205842.3).
Identifiers: ClinVar variation 2504241 (VCV002504241.1), dbSNP rs2468533740, ClinGen allele CA2580616647.
Genomic context (GRCh38, chr2:182,925,739, plus strand): 5'-TTATCTTGATTAAGTAGGTAATTTTATGCAGAAGATGTAACACTTTGTTTGTAGACAGCA[T>TGGTATG]GGTATGCATTTCTCAGCAAGACATAAGGAAAACAAGATTCCAAAAGATCCATTGTAAGGA-3'